The following is an entry in ClinVar:

NM_001384140.1(PCDH15):c.3965del (p.Asp1322fs)

Gene: PCDH15 (protocadherin related 15; minus strand). Cytogenetic location: 10q21.1.
Variant type: Deletion.
Coding change: c.3965del on transcript NM_001384140.1 (MANE Select); coding-DNA position 3965, one base deleted (A; older notation c.3965delA).
Protein change: p.Asp1322fs; shifts the reading frame from aspartic acid 1322.
Molecular consequence: frameshift variant.
Genome position (GRCh38, 1-based): chr10:53,840,338, T deleted on the plus strand (A on the coding strand, the reverse complement: PCDH15 is on the minus strand). VCF-style (leftmost placement, unchanged base first): chr10-53840337-AT-A. GRCh37 (hg19) VCF-style: chr10-55600097-AT-A.
Other names: c.3980del, p.Asp1327fs (NM_001142763.2, NM_001142771.2); c.3965del, p.Asp1322fs (NM_001142764.2, NM_001142766.2, NM_001142770.3 and 4 more transcripts); c.3752del, p.Asp1251fs (NM_001142765.2); c.3854del, p.Asp1285fs (NM_001142767.2); c.3899del, p.Asp1300fs (NM_001142768.2, NM_001142773.2, NM_001354404.2); c.4001delA, p.Asp1334Valfs (NM_001142769.4); c.3986del, p.Asp1329fs (NM_001354411.2); short protein forms D1251fs, D1285fs, D1300fs, D1322fs, D1327fs, D1329fs, D1334fs.
Identifiers: ClinVar variation 5013305 (VCV005013305.1).

ClinVar aggregate classification (germline): Pathogenic (1 of 4 stars; one submission).

Conditions:
Usher syndrome type 1F (USH1F). Also called: USHER SYNDROME, TYPE IF. Identifiers: Orphanet 231169, Orphanet 886, MedGen C1865885, MONDO:0011186, OMIM 602083.

Submission:

Myriad Genetics, Inc.
Classification: Pathogenic for Usher syndrome type 1F. Last evaluated: 2024-07-11. Review status: criteria provided, single submitter. Criteria: Myriad Autosomal Dominant, Autosomal Recessive and X-Linked Classification Criteria (2023). Collection method: clinical testing. Allele origin: unknown.
Comment: NM_033056.3(PCDH15):c.3965delA(D1322Vfs*39) is expected to be pathogenic in the context of PCDH15-related disorders. This variant is predicted to lead to an abnormal or absent protein product due to the creation of a premature termination codon in PCDH15, a gene where loss-of-function variants are known to be pathogenic. Please note: this variant was assessed in the context of healthy population screening.